The following is an entry in ClinVar:

NM_000057.4(BLM):c.3131A>C (p.Tyr1044Ser)

Gene: BLM (BLM RecQ like helicase; plus strand). Cytogenetic location: 15q26.1.
Variant type: single nucleotide variant.
Coding change: c.3131A>C on transcript NM_000057.4 (MANE Select); coding-DNA position 3131, A replaced by C.
Protein change: p.Tyr1044Ser; replaces tyrosine 1044 with serine.
Molecular consequence: missense variant.
Genome position (GRCh38, 1-based): chr15:90,794,278, A>C. VCF-style: chr15-90794278-A-C. GRCh37 (hg19) VCF-style: chr15-91337508-A-C.
Other names: c.3131A>C, p.Tyr1044Ser (NM_001287246.2, NM_001287247.2); c.2006A>C, p.Tyr669Ser (NM_001287248.2); short protein forms Y1044S, Y669S.
Identifiers: ClinVar variation 2066292 (VCV002066292.4), dbSNP rs747571272, ClinGen allele CA393846900.

ClinVar aggregate classification (germline): Uncertain significance (1 of 4 stars; one submission).

Conditions:
Bloom syndrome (BLM). Also called: Bloom-Torre-Machacek syndrome. Identifiers: Orphanet 125, MedGen C0005859, MONDO:0008876, OMIM 210900.

Submission:

Labcorp Genetics (formerly Invitae), Labcorp
Classification: Uncertain significance for Bloom syndrome. Last evaluated: 2024-04-16. Review status: criteria provided, single submitter. Criteria: Invitae Variant Classification Sherloc (09022015). Collection method: clinical testing. Allele origin: germline.
Comment: This sequence change replaces tyrosine, which is neutral and polar, with serine, which is neutral and polar, at codon 1044 of the BLM protein (p.Tyr1044Ser). This variant is not present in population databases (gnomAD no frequency). This variant has not been reported in the literature in individuals affected with BLM-related conditions. ClinVar contains an entry for this variant (Variation ID: 2066292). Advanced modeling of protein sequence and biophysical properties (such as structural, functional, and spatial information, amino acid conservation, physicochemical variation, residue mobility, and thermodynamic stability) performed at Invitae indicates that this missense variant is expected to disrupt BLM protein function with a positive predictive value of 80%. In summary, the available evidence is currently insufficient to determine the role of this variant in disease. Therefore, it has been classified as a Variant of Uncertain Significance.